The following is an entry in ClinVar:

NM_000173.7(GP1BA):c.138G>A (p.Pro46=)

Gene: GP1BA (glycoprotein Ib platelet subunit alpha; plus strand). Cytogenetic location: 17p13.2.
Variant type: single nucleotide variant.
Coding change: c.138G>A on transcript NM_000173.7 (MANE Select); coding-DNA position 138, G replaced by A.
Protein change: p.Pro46=; no amino-acid change (proline 46 retained).
Molecular consequence: synonymous variant.
Genome position (GRCh38, 1-based): chr17:4,932,742, G>A. VCF-style: chr17-4932742-G-A. GRCh37 (hg19) VCF-style: chr17-4836037-G-A.
Identifiers: ClinVar variation 3055053 (VCV003055053.2), dbSNP rs750305979, ClinGen allele CA8314704.

ClinVar aggregate classification (germline): Likely benign (0 of 4 stars; one submission).

Conditions:
GP1BA-related disorder. Also called: GP1BA-related condition.

Allele frequency attached by ClinVar (database versions not stated): ExAC 0.00001; gnomAD exomes 0.00001; TOPMed 0.00001.
gnomAD v4.1: 18 of 1,613,788 alleles (0.0011%); highest among the groups gnomAD compares: East Asian, 0.0067%; no homozygotes.

Submission:

PreventionGenetics, part of Exact Sciences
Classification: Likely benign for GP1BA-related condition. Last evaluated: 2021-02-10. Review status: no assertion criteria provided. Collection method: clinical testing. Allele origin: germline.
Comment: This variant is classified as likely benign based on ACMG/AMP sequence variant interpretation guidelines (Richards et al. 2015 PMID: 25741868, with internal and published modifications).